The following is an entry in ClinVar:

NM_001378454.1(ALMS1):c.5114C>T (p.Pro1705Leu)

Gene: ALMS1 (ALMS1 centrosome and basal body associated protein; plus strand). Cytogenetic location: 2p13.1.
Variant type: single nucleotide variant.
Coding change: c.5114C>T on transcript NM_001378454.1 (MANE Select); coding-DNA position 5114, C replaced by T.
Protein change: p.Pro1705Leu; replaces proline 1705 with leucine.
Molecular consequence: missense variant.
Genome position (GRCh38, 1-based): chr2:73,451,641, C>T. VCF-style: chr2-73451641-C-T. GRCh37 (hg19) VCF-style: chr2-73678768-C-T.
Other names: c.5117C>T, p.Pro1706Leu (NM_015120.4); short protein forms P1706L, P1705L.
Identifiers: ClinVar variation 2133992 (VCV002133992.4), dbSNP rs2466103914, ClinGen allele CA347280007.

ClinVar aggregate classification (germline): Uncertain significance (1 of 4 stars; one submission).

Conditions:
Alstrom syndrome (ALMS). Identifiers: Orphanet 64, MedGen C0268425, MONDO:0008763, OMIM 203800.

Submission:

Labcorp Genetics (formerly Invitae), Labcorp
Classification: Uncertain significance for Alstrom syndrome. Last evaluated: 2022-05-06. Review status: criteria provided, single submitter. Criteria: Invitae Variant Classification Sherloc (09022015). Collection method: clinical testing. Allele origin: germline.
Comment: In summary, the available evidence is currently insufficient to determine the role of this variant in disease. Therefore, it has been classified as a Variant of Uncertain Significance. Experimental studies and prediction algorithms are not available or were not evaluated, and the functional significance of this variant is currently unknown. This variant has not been reported in the literature in individuals affected with ALMS1-related conditions. This variant is not present in population databases (gnomAD no frequency). This sequence change replaces proline, which is neutral and non-polar, with leucine, which is neutral and non-polar, at codon 1706 of the ALMS1 protein (p.Pro1706Leu).